The following is an entry in ClinVar:

NM_020708.5(SLC12A5):c.900T>G (p.Asp300Glu)

Gene: SLC12A5 (solute carrier family 12 member 5; plus strand). Cytogenetic location: 20q13.12.
Variant type: single nucleotide variant.
Coding change: c.900T>G on transcript NM_020708.5 (MANE Select); coding-DNA position 900, T replaced by G.
Protein change: p.Asp300Glu; replaces aspartic acid 300 with glutamic acid.
Molecular consequence: missense variant.
Genome position (GRCh38, 1-based): chr20:46,041,374, T>G. VCF-style: chr20-46041374-T-G. GRCh37 (hg19) VCF-style: chr20-44670013-T-G.
Other names: c.969T>G, p.Asp323Glu (NM_001134771.2); short protein forms D323E, D300E.
Identifiers: ClinVar variation 850143 (VCV000850143.10), dbSNP rs765877175, ClinGen allele CA409190245.

ClinVar aggregate classification (germline): Uncertain significance (1 of 4 stars; one submission).

Conditions:
Developmental and epileptic encephalopathy, 34 (DEE34). Also called: Early infantile epileptic encephalopathy 34; SLC12A5-Related Epilepsy of Infancy with Migrating Focal Seizures. Identifiers: Orphanet 293181, MedGen C4225257, MONDO:0014718, OMIM 616645.

Submission:

Labcorp Genetics (formerly Invitae), Labcorp
Classification: Uncertain significance for Developmental and epileptic encephalopathy, 34. Last evaluated: 2019-11-19. Review status: criteria provided, single submitter. Criteria: Invitae Variant Classification Sherloc (09022015). Collection method: clinical testing. Allele origin: germline.
Comment: This sequence change replaces aspartic acid with glutamic acid at codon 300 of the SLC12A5 protein (p.Asp300Glu). The aspartic acid residue is moderately conserved and there is a small physicochemical difference between aspartic acid and glutamic acid. This variant is not present in population databases (ExAC no frequency). This variant has not been reported in the literature in individuals with SLC12A5-related conditions. Algorithms developed to predict the effect of missense changes on protein structure and function (SIFT, PolyPhen-2, Align-GVGD) all suggest that this variant is likely to be tolerated, but these predictions have not been confirmed by published functional studies and their clinical significance is uncertain. In summary, the available evidence is currently insufficient to determine the role of this variant in disease. Therefore, it has been classified as a Variant of Uncertain Significance.